The following is an entry in ClinVar:

NM_000540.3(RYR1):c.8693-1G>A

Gene: RYR1 (ryanodine receptor 1; plus strand). Cytogenetic location: 19q13.2.
Variant type: single nucleotide variant.
Coding change: c.8693-1G>A on transcript NM_000540.3 (MANE Select); the canonical splice acceptor site of the intron before coding-DNA position 8693, G replaced by A.
Molecular consequence: splice acceptor variant.
Genome position (GRCh38, 1-based): chr19:38,506,828, G>A. VCF-style: chr19-38506828-G-A. GRCh37 (hg19) VCF-style: chr19-38997468-G-A.
Other names: c.8693-1G>A (NM_001042723.2).
Identifiers: ClinVar variation 590620 (VCV000590620.7), dbSNP rs1568514017, ClinGen allele CA405680641.

ClinVar aggregate classification (germline): Likely pathogenic. Review status: criteria provided, multiple submitters, no conflicts (2 of 4 stars). 2 submissions from 2 submitters: Likely pathogenic (2). Last evaluated 2023-06-03.

Conditions:
RYR1-related disorder. Also called: RYR1-related disorders; RYR1-related condition. Identifiers: MedGen CN239331.

Submissions (2):

Labcorp Genetics (formerly Invitae), Labcorp
Classification: Likely pathogenic for RYR1-related disorder. Last evaluated: 2023-06-03. Review status: criteria provided, single submitter. Criteria: Invitae Variant Classification Sherloc (09022015). Collection method: clinical testing. Allele origin: germline.
Comment: In summary, the currently available evidence indicates that the variant is pathogenic, but additional data are needed to prove that conclusively. Therefore, this variant has been classified as Likely Pathogenic. This sequence change affects an acceptor splice site in intron 56 of the RYR1 gene. It is expected to disrupt RNA splicing. Variants that disrupt the donor or acceptor splice site typically lead to a loss of protein function (PMID: 16199547), and loss-of-function variants in RYR1 are known to be pathogenic (PMID: 23919265, 25960145, 28818389, 30611313). This variant is not present in population databases (gnomAD no frequency). This variant has not been reported in the literature in individuals affected with RYR1-related conditions. ClinVar contains an entry for this variant (Variation ID: 590620). Algorithms developed to predict the effect of sequence changes on RNA splicing suggest that this variant may disrupt the consensus splice site.

PreventionGenetics, part of Exact Sciences
Classification: Likely pathogenic. Last evaluated: 2016-08-19. Review status: criteria provided, single submitter. Criteria: ACMG Guidelines, 2015. Collection method: clinical testing. Allele origin: germline.

Literature cited by the submitters: PubMed 16199547 (cited by Labcorp Genetics (formerly Invitae), Labcorp); PubMed 23919265 (cited by Labcorp Genetics (formerly Invitae), Labcorp); PubMed 25960145 (cited by Labcorp Genetics (formerly Invitae), Labcorp); PubMed 28818389 (cited by Labcorp Genetics (formerly Invitae), Labcorp); PubMed 30611313 (cited by Labcorp Genetics (formerly Invitae), Labcorp).